The following is an entry in ClinVar:

ClinVar aggregate classification (germline): Uncertain significance (0 of 4 stars; one submission).

Conditions:
SOX5-related disorder. Also called: SOX5-related condition.

Submission:

PreventionGenetics, part of Exact Sciences
Classification: Uncertain significance for SOX5-related condition. Last evaluated: 2024-07-16. Review status: no assertion criteria provided. Collection method: clinical testing. Allele origin: germline.
Comment: The SOX5 c.1760G>C variant is predicted to result in the amino acid substitution p.Ser587Thr. To our knowledge, this variant has not been reported in the literature or in a large population database, indicating this variant is rare. At this time, the clinical significance of the p.Ser587Thr variant is uncertain due to the absence of conclusive functional and genetic evidence.

NM_006940.6(SOX5):c.1760G>C (p.Ser587Thr)

Gene: SOX5 (SRY-box transcription factor 5; minus strand). Cytogenetic location: 12p12.1.
Variant type: single nucleotide variant.
Coding change: c.1760G>C on transcript NM_006940.6 (MANE Select); coding-DNA position 1760, G replaced by C.
Protein change: p.Ser587Thr; replaces serine 587 with threonine.
Molecular consequence: missense variant.
Genome position (GRCh38, 1-based): chr12:23,543,222, C>G on the plus strand (G>C on the coding strand, the complement: SOX5 is on the minus strand). VCF-style: chr12-23543222-C-G. GRCh37 (hg19) VCF-style: chr12-23696156-C-G.
Other names: c.1397G>C, p.Ser466Thr (NM_001261414.3); c.1730G>C, p.Ser577Thr (NM_001261415.3); c.1655G>C, p.Ser552Thr (NM_001330785.2); c.1721G>C, p.Ser574Thr (NM_152989.5); c.602G>C, p.Ser201Thr (NM_178010.4); short protein forms S201T, S466T, S552T, S574T, S577T, S587T.
Identifiers: ClinVar variation 2637354 (VCV002637354.2), dbSNP rs2547812570, ClinGen allele CA384319700.